The following is an entry in ClinVar:

NM_001710.6(CFB):c.1271-3C>T

Gene: CFB (complement factor B; plus strand). Cytogenetic location: 6p21.33.
Variant type: single nucleotide variant.
Coding change: c.1271-3C>T on transcript NM_001710.6 (MANE Select); 3 bases into the intron before coding-DNA position 1271, C replaced by T.
Molecular consequence: intron variant.
Genome position (GRCh38, 1-based): chr6:31,949,417, C>T. VCF-style: chr6-31949417-C-T. GRCh37 (hg19) VCF-style: chr6-31917194-C-T.
Identifiers: ClinVar variation 4722108 (VCV004722108.1).

ClinVar aggregate classification (germline): Uncertain significance (1 of 4 stars; one submission).

gnomAD v4.1: 6 of 1,614,118 alleles (0.00037%); highest among the groups gnomAD compares: Middle Eastern, 0.016%; no homozygotes.

Submission:

Labcorp Genetics (formerly Invitae), Labcorp
Classification: Uncertain significance. Last evaluated: 2025-07-15. Review status: criteria provided, single submitter. Criteria: Invitae Variant Classification Sherloc (09022015). Collection method: clinical testing. Allele origin: germline.
Comment: This sequence change falls in intron 9 of the CFB gene. It does not directly change the encoded amino acid sequence of the CFB protein. It affects a nucleotide within the consensus splice site. This variant is present in population databases (rs761103142, gnomAD 0.008%). This variant has not been reported in the literature in individuals affected with CFB-related conditions. Variants that disrupt the consensus splice site are a relatively common cause of aberrant splicing (PMID: 17576681, 9536098). Algorithms developed to predict the effect of sequence changes on RNA splicing suggest that this variant is not likely to affect RNA splicing. In summary, the available evidence is currently insufficient to determine the role of this variant in disease. Therefore, it has been classified as a Variant of Uncertain Significance.

Literature cited by the submitters: PubMed 17576681; PubMed 9536098.